The following is an entry in ClinVar:

NM_014363.6(SACS):c.10340C>T (p.Ser3447Leu)

Gene: SACS (sacsin molecular chaperone; minus strand). Cytogenetic location: 13q12.12.
Variant type: single nucleotide variant.
Coding change: c.10340C>T on transcript NM_014363.6 (MANE Select); coding-DNA position 10340, C replaced by T.
Protein change: p.Ser3447Leu; replaces serine 3447 with leucine.
Molecular consequence: missense variant.
Genome position (GRCh38, 1-based): chr13:23,333,536, G>A on the plus strand (C>T on the coding strand, the complement: SACS is on the minus strand). VCF-style: chr13-23333536-G-A. GRCh37 (hg19) VCF-style: chr13-23907675-G-A.
Other names: c.9899C>T, p.Ser3300Leu (NM_001278055.2); short protein forms S3300L, S3447L.
Identifiers: ClinVar variation 1463230 (VCV001463230.5), dbSNP rs2137575641, ClinGen allele CA387512425.

ClinVar aggregate classification (germline): Uncertain significance (1 of 4 stars; one submission).

Conditions:
Spastic paraplegia. Identifiers: MedGen C0037772, HP:0001258.

Submission:

Labcorp Genetics (formerly Invitae), Labcorp
Classification: Uncertain significance for Spastic paraplegia. Last evaluated: 2021-09-01. Review status: criteria provided, single submitter. Criteria: Invitae Variant Classification Sherloc (09022015). Collection method: clinical testing. Allele origin: germline.
Comment: This sequence change replaces serine with leucine at codon 3447 of the SACS protein (p.Ser3447Leu). The serine residue is moderately conserved and there is a large physicochemical difference between serine and leucine. This variant is not present in population databases (ExAC no frequency). This variant has not been reported in the literature in individuals affected with SACS-related conditions. Advanced modeling of protein sequence and biophysical properties (such as structural, functional, and spatial information, amino acid conservation, physicochemical variation, residue mobility, and thermodynamic stability) performed at Invitae indicates that this missense variant is not expected to disrupt SACS protein function. In summary, the available evidence is currently insufficient to determine the role of this variant in disease. Therefore, it has been classified as a Variant of Uncertain Significance.